The following is an entry in ClinVar:

NM_001830.4(CLCN4):c.2021T>C (p.Met674Thr)

Gene: CLCN4 (chloride voltage-gated channel 4; plus strand). Cytogenetic location: Xp22.2.
Variant type: single nucleotide variant.
Coding change: c.2021T>C on transcript NM_001830.4 (MANE Select); coding-DNA position 2021, T replaced by C.
Protein change: p.Met674Thr; replaces methionine 674 with threonine.
Molecular consequence: missense variant.
Genome position (GRCh38, 1-based): chrX:10,220,706, T>C. VCF-style: chrX-10220706-T-C. GRCh37 (hg19) VCF-style: chrX-10188746-T-C.
Other names: c.1739T>C, p.Met580Thr (NM_001256944.2); short protein forms M580T, M674T.
Identifiers: ClinVar variation 864438 (VCV000864438.10), dbSNP rs1924837336, ClinGen allele CA412044282.

ClinVar aggregate classification (germline): Uncertain significance. Review status: criteria provided, multiple submitters, no conflicts (2 of 4 stars). 2 submissions from 2 submitters: Uncertain significance (2). Last evaluated 2022-06-03.

Conditions:
Non-syndromic X-linked intellectual disability (XLID). Also called: Mental retardation, nonsyndromic, X-linked. Identifiers: Orphanet 777, MedGen C3501611, MONDO:0019181.

gnomAD v4.1: 3 of 1,211,450 alleles (0.00025%); highest among the groups gnomAD compares: Non-Finnish European, 0.00034%; no homozygotes.

Submissions (2):

Department of Pathology and Laboratory Medicine, Sinai Health System
Classification: Uncertain significance for non-syndromic X-linked intellectual disability. Last evaluated: 2022-06-03. Review status: criteria provided, single submitter. Criteria: ACMG Guidelines, 2015. Collection method: research. Allele origin: germline.

Labcorp Genetics (formerly Invitae), Labcorp
Classification: Uncertain significance. Last evaluated: 2019-03-19. Review status: criteria provided, single submitter. Criteria: Invitae Variant Classification Sherloc (09022015). Collection method: clinical testing. Allele origin: germline.
Comment: This sequence change replaces methionine with threonine at codon 674 of the CLCN4 protein (p.Met674Thr). The methionine residue is weakly conserved and there is a moderate physicochemical difference between methionine and threonine. This variant is not present in population databases (ExAC no frequency). This variant has not been reported in the literature in individuals with CLCN4-related conditions. Algorithms developed to predict the effect of missense changes on protein structure and function (SIFT, PolyPhen-2, Align-GVGD) all suggest that this variant is likely to be tolerated, but these predictions have not been confirmed by published functional studies and their clinical significance is uncertain. In summary, the available evidence is currently insufficient to determine the role of this variant in disease. Therefore, it has been classified as a Variant of Uncertain Significance.